The following is an entry in ClinVar:

NM_032776.3(JMJD1C):c.4775G>A (p.Ser1592Asn)

Gene: JMJD1C (jumonji domain containing 1C; minus strand). Cytogenetic location: 10q21.3.
Variant type: single nucleotide variant.
Coding change: c.4775G>A on transcript NM_032776.3 (MANE Select); coding-DNA position 4775, G replaced by A.
Protein change: p.Ser1592Asn; replaces serine 1592 with asparagine.
Molecular consequence: missense variant. On other transcripts: non-coding transcript variant (1).
Genome position (GRCh38, 1-based): chr10:63,206,894, C>T on the plus strand (G>A on the coding strand, the complement: JMJD1C is on the minus strand). VCF-style: chr10-63206894-C-T. GRCh37 (hg19) VCF-style: chr10-64966654-C-T.
Other names: c.4229G>A, p.Ser1410Asn (NM_001282948.2, NM_001318154.2); c.3911G>A, p.Ser1304Asn (NM_001318153.2); c.4661G>A, p.Ser1554Asn (NM_001322252.2); c.4118G>A, p.Ser1373Asn (NM_001322254.2, NM_001322258.2); short protein forms S1410N, S1554N, S1592N, S1373N, S1304N.
Identifiers: ClinVar variation 943985 (VCV000943985.9), dbSNP rs1846692104, ClinGen allele CA377036507.
Genomic context (GRCh38, chr10:63,206,894, plus strand): 5'-TTATCATCTTTTACATATTTATCAACTATGATCTTACTATCTACACTATTTTGTATATCA[C>T]TAGATGTAGAGGCTATTAAGTTGACAGAACATGGCTTAATAATTTCTGATACAGAATTCC-3'
Protein context (NP_116165.1, residues 1582-1602): CSVNLIASTS[Ser1592Asn]DIQNSVDSKI

ClinVar aggregate classification (germline): Uncertain significance (1 of 4 stars; one submission).

Conditions:
Early Myoclonic Encephalopathy. Identifiers: MedGen C0270855.

Submission:

Labcorp Genetics (formerly Invitae), Labcorp
Classification: Uncertain significance for Early Myoclonic Encephalopathy. Last evaluated: 2019-06-04. Review status: criteria provided, single submitter. Criteria: Invitae Variant Classification Sherloc (09022015). Collection method: clinical testing. Allele origin: germline.
Comment: This sequence change replaces serine with asparagine at codon 1592 of the JMJD1C protein (p.Ser1592Asn). The serine residue is weakly conserved and there is a small physicochemical difference between serine and asparagine. This variant is not present in population databases (ExAC no frequency). This variant has not been reported in the literature in individuals with JMJD1C-related conditions. Algorithms developed to predict the effect of missense changes on protein structure and function output the following: SIFT: "Tolerated"; PolyPhen-2: "Benign"; Align-GVGD: "Class C0". The asparagine amino acid residue is found in multiple mammalian species, suggesting that this missense change does not adversely affect protein function. These predictions have not been confirmed by published functional studies and their clinical significance is uncertain. In summary, the available evidence is currently insufficient to determine the role of this variant in disease. Therefore, it has been classified as a Variant of Uncertain Significance.